The following is an entry in ClinVar:

NM_002691.4(POLD1):c.3121-3C>T

Gene: POLD1 (DNA polymerase delta 1, catalytic subunit; plus strand). Cytogenetic location: 19q13.33.
Variant type: single nucleotide variant.
Coding change: c.3121-3C>T on transcript NM_002691.4 (MANE Select); 3 bases into the intron before coding-DNA position 3121, C replaced by T.
Molecular consequence: intron variant.
Genome position (GRCh38, 1-based): chr19:50,417,169, C>T. VCF-style: chr19-50417169-C-T. GRCh37 (hg19) VCF-style: chr19-50920426-C-T.
Other names: c.3121-3C>T (NM_001256849.1, NM_002691.2); c.3199-3C>T (NM_001308632.1).
Identifiers: ClinVar variation 933796 (VCV000933796.10), dbSNP rs2039335473, ClinGen allele CA1139666570.

ClinVar aggregate classification (germline): Conflicting classifications of pathogenicity. Review status: criteria provided, conflicting classifications (1 of 4 stars). 2 submissions from 2 submitters: Uncertain significance (1); Likely benign (1). Last evaluated 2025-08-26.

Conditions:
Hereditary cancer-predisposing syndrome. Also called: Hereditary neoplastic syndrome; Tumor predisposition; Neoplastic Syndromes, Hereditary; Hereditary Cancer Syndrome. Identifiers: Orphanet 140162, MedGen C0027672, MeSH D009386, MONDO:0015356.
POLD1-related polyposis and colorectal cancer syndrome (CRCS10). Also called: Colorectal cancer 10; COLORECTAL CANCER, SUSCEPTIBILITY TO, ON CHROMOSOME 19q; Colorectal cancer, susceptibility to, 10. Identifiers: Orphanet 220460, MedGen C2675481, MONDO:0012953, OMIM 612591.

Submissions (2):

Ambry Genetics
Classification: Uncertain significance for Hereditary cancer-predisposing syndrome. Last evaluated: 2025-08-26. Review status: criteria provided, single submitter. Criteria: Ambry Variant Classification Scheme 2023. Collection method: clinical testing. Allele origin: germline.
Comment: The c.3121-3C>T intronic variant results from a C to T substitution 3 nucleotides upstream from coding exon 25 in the POLD1 gene. This nucleotide position is well conserved in available vertebrate species. In silico splice site analysis predicts that this alteration will not have any significant effect on splicing. Based on the available evidence, the clinical significance of this variant remains unclear.

Labcorp Genetics (formerly Invitae), Labcorp
Classification: Likely benign for POLD1-related polyposis and colorectal cancer syndrome. Last evaluated: 2024-08-13. Review status: criteria provided, single submitter. Criteria: Invitae Variant Classification Sherloc (09022015). Collection method: clinical testing. Allele origin: germline.